The following is an entry in ClinVar:

ClinVar aggregate classification (germline): Pathogenic (1 of 4 stars; one submission).

Conditions:
Hereditary cancer-predisposing syndrome. Also called: Hereditary Cancer Syndrome; Hereditary neoplastic syndrome; Neoplastic Syndromes, Hereditary; Tumor predisposition. Identifiers: Orphanet 140162, MedGen C0027672, MeSH D009386, MONDO:0015356.

Submission:

Ambry Genetics
Classification: Pathogenic for Hereditary cancer-predisposing syndrome. Last evaluated: 2022-09-06. Review status: criteria provided, single submitter. Criteria: Ambry Variant Classification Scheme 2023. Collection method: clinical testing. Allele origin: germline.
Comment: The c.1323_1324insCAAT pathogenic mutation, located in coding exon 4 of the MSH6 gene, results from an insertion of 4 nucleotides at position 1323, causing a translational frameshift with a predicted alternate stop codon (p.I442Qfs*6). This alteration is expected to result in loss of function by premature protein truncation or nonsense-mediated mRNA decay. As such, this alteration is interpreted as a disease-causing mutation.

NM_000179.3(MSH6):c.1323_1324insCAAT (p.Ile442fs)

Gene: MSH6 (mutS homolog 6; plus strand). Cytogenetic location: 2p16.3.
Variant type: Insertion.
Coding change: c.1323_1324insCAAT on transcript NM_000179.3 (MANE Select); coding-DNA positions 1323 to 1324, CAAT inserted.
Protein change: p.Ile442fs; shifts the reading frame from isoleucine 442.
Molecular consequence: frameshift variant.
Genome position: GRCh38 VCF-style: chr2-47799305-T-TTCAA. GRCh37 (hg19) VCF-style: chr2-48026444-T-TTCAA.
Other names: c.933_934insCAAT, p.Ile312fs (NM_001281492.2); c.417_418insCAAT, p.Ile140fs (NM_001281493.2, NM_001281494.2); c.1419_1420insCAAT, p.Ile474Glnfs (NM_001406795.1, NM_001406802.1); c.1323_1324insCAAT, p.Ile442Glnfs (NM_001406796.1, NM_001406798.1, NM_001406800.1 and 4 more transcripts); c.1026_1027insCAAT, p.Ile343Glnfs (NM_001406797.1, NM_001406801.1, NM_001406805.1 and 10 more transcripts); c.798_799insCAAT, p.Ile267Glnfs (NM_001406799.1, NM_001406806.1, NM_001406807.1); c.1245_1246insCAAT, p.Ile416Glnfs (NM_001406804.1); c.417_418insCAAT, p.Ile140Glnfs (NM_001406811.1, NM_001406812.1, NM_001406814.1 and 4 more transcripts); and 2 more; short protein forms I140fs, I442fs, I312fs.
Identifiers: ClinVar variation 1769937 (VCV001769937.2), dbSNP rs2530603051, ClinGen allele CA2580067570.